The following is an entry in ClinVar:

ClinVar aggregate classification (germline): Uncertain significance (1 of 4 stars; one submission).

Conditions:
Kleefstra syndrome 1 (KLEFS1). Identifiers: Orphanet 261494, MedGen C0795833, MONDO:0027407, OMIM 610253.

gnomAD v4.1: 1 of 1,607,514 alleles (0.000062%); highest among the groups gnomAD compares: Non-Finnish European, 0.000085%; no homozygotes.

Submission:

Labcorp Genetics (formerly Invitae), Labcorp
Classification: Uncertain significance for Kleefstra syndrome 1. Last evaluated: 2024-03-05. Review status: criteria provided, single submitter. Criteria: Invitae Variant Classification Sherloc (09022015). Collection method: clinical testing. Allele origin: germline.
Comment: This sequence change replaces glycine, which is neutral and non-polar, with valine, which is neutral and non-polar, at codon 52 of the EHMT1 protein (p.Gly52Val). This variant is not present in population databases (gnomAD no frequency). This variant has not been reported in the literature in individuals affected with EHMT1-related conditions. An algorithm developed to predict the effect of missense changes on protein structure and function (PolyPhen-2) suggests that this variant is likely to be disruptive. In summary, the available evidence is currently insufficient to determine the role of this variant in disease. Therefore, it has been classified as a Variant of Uncertain Significance.

NM_024757.5(EHMT1):c.155G>T (p.Gly52Val)

Gene: EHMT1 (euchromatic histone lysine methyltransferase 1; plus strand). Cytogenetic location: 9q34.3.
Variant type: single nucleotide variant.
Coding change: c.155G>T on transcript NM_024757.5 (MANE Select); coding-DNA position 155, G replaced by T.
Protein change: p.Gly52Val; replaces glycine 52 with valine.
Molecular consequence: missense variant.
Genome position (GRCh38, 1-based): chr9:137,716,695, G>T. VCF-style: chr9-137716695-G-T. GRCh37 (hg19) VCF-style: chr9-140611147-G-T.
Other names: c.155G>T, p.Gly52Val (NM_001145527.2, NM_001354263.2, NM_001354611.2); c.62G>T, p.Gly21Val (NM_001354259.2, NM_001354612.2); short protein forms G21V, G52V.
Identifiers: ClinVar variation 3687331 (VCV003687331.2).
Genomic context (GRCh38, chr9:137,716,695, plus strand): 5'-TGGCTGCCGATGAAGGCTCAGCAGAGAAACAGGCAGGAGAGGCCCACATGGCTGCGGACG[G>T]TGAGACCAATGGGTCTTGTGAAAACAGCGATGCCAGCAGTCATGCAAATGCTGCAAAGCA-3'
Protein context (NP_079033.4, residues 42-62): QAGEAHMAAD[Gly52Val]ETNGSCENSD